The following is an entry in ClinVar:

NM_000548.5(TSC2):c.1258-17G>A

Gene: TSC2 (TSC complex subunit 2; plus strand). Cytogenetic location: 16p13.3.
Variant type: single nucleotide variant.
Coding change: c.1258-17G>A on transcript NM_000548.5 (MANE Select); 17 bases into the intron before coding-DNA position 1258, G replaced by A.
Molecular consequence: intron variant.
Genome position (GRCh38, 1-based): chr16:2,062,480, G>A. VCF-style: chr16-2062480-G-A. GRCh37 (hg19) VCF-style: chr16-2112481-G-A.
Other names: c.1258-17G>A (NM_001114382.3, NM_021055.3, NM_001370405.1 and 3 more transcripts); c.1147-17G>A (NM_001318827.2); c.658-17G>A (NM_001318831.2); c.1111-17G>A (NM_001318829.2); c.1291-17G>A (NM_001318832.2).
Identifiers: ClinVar variation 1571833 (VCV001571833.9), dbSNP rs752327718, ClinGen allele CA028949.
Genomic context (GRCh38, chr16:2,062,480, plus strand): 5'-CTCTCGACCAGCAGCCCAGTGTGGAGAAGGAGAGCGCCGGAGGGGCAGAGGGGCAACACC[G>A]GCTCTTCTTTTGACAGGAGTCCTCCCTCCTGAACCTGATCTCCTATAGAGCGCAGTCCAT-3'

ClinVar aggregate classification (germline): Likely benign. Review status: criteria provided, multiple submitters, no conflicts (2 of 4 stars). 2 submissions from 2 submitters: Likely benign (2). Last evaluated 2026-01-29.

Conditions:
Tuberous sclerosis 2 (TSC2). Identifiers: Orphanet 805, MedGen C1860707, MONDO:0013199, OMIM 613254.

Allele frequency attached by ClinVar (database versions not stated): gnomAD 0.00002 and 0.00003; gnomAD exomes 0.00004; ExAC 0.00013.
gnomAD v4.1: 34 of 1,599,620 alleles (0.0021%); highest among the groups gnomAD compares: East Asian, 0.056%; no homozygotes.

Submissions (2):

Labcorp Genetics (formerly Invitae), Labcorp
Classification: Likely benign for Tuberous sclerosis 2. Last evaluated: 2026-01-29. Review status: criteria provided, single submitter. Criteria: Invitae Variant Classification Sherloc (09022015). Collection method: clinical testing. Allele origin: germline.

Myriad Genetics, Inc.
Classification: Likely benign for Tuberous sclerosis 2. Last evaluated: 2024-08-06. Review status: criteria provided, single submitter. Criteria: Myriad Autosomal Dominant, Autosomal Recessive and X-Linked Classification Criteria (2023). Collection method: clinical testing. Allele origin: unknown.
Comment: This variant is considered likely benign. This variant is intronic and is not expected to impact mRNA splicing. This variant has been observed at a population frequency that is significantly greater than expected given the associated disease prevalence and penetrance.